The following is an entry in ClinVar:

ClinVar aggregate classification (germline): Uncertain significance (1 of 4 stars; one submission).

Conditions:
Intellectual developmental disorder with dysmorphic facies and ptosis (IDDDFP). Identifiers: Orphanet 698090, MedGen C4310617, MONDO:0015022, OMIM 617333.

Submission:

Clinical Genomics Laboratory, Washington University in St. Louis
Classification: Uncertain significance for Intellectual developmental disorder with dysmorphic facies and ptosis. Last evaluated: 2025-07-11. Review status: criteria provided, single submitter. Criteria: ACMG Guidelines, 2015. Collection method: clinical testing. Allele origin: germline.
Comment: The BRPF1 c.71C>T (p.Pro24Leu) variant, to our knowledge, has not been reported in the medical literature and is only observed on 1/250,992 alleles in the general population (gnomAD v.2.1.1), indicating it is not a common variant. This variant occurs in a C2H2 type zinc finger (UniProt P55201), but computational predictors are uncertain as to the impact of this variant on BRPF1 function. Due to limited information, and based on ACMG/AMP guidelines for variant interpretation (Richards S et al., PMID: 25741868), the clinical significance of this variant is uncertain at this time.

NM_001003694.2(BRPF1):c.71C>T (p.Pro24Leu)

Gene: BRPF1 (bromodomain and PHD finger containing 1; plus strand). Cytogenetic location: 3p25.3.
Variant type: single nucleotide variant.
Coding change: c.71C>T on transcript NM_001003694.2 (MANE Select); coding-DNA position 71, C replaced by T.
Protein change: p.Pro24Leu; replaces proline 24 with leucine.
Molecular consequence: missense variant. On other transcripts: non-coding transcript variant (1).
Genome position (GRCh38, 1-based): chr3:9,734,211, C>T. VCF-style: chr3-9734211-C-T. GRCh37 (hg19) VCF-style: chr3-9775895-C-T.
Other names: c.71C>T, p.Pro24Leu (NM_001319049.2, NM_001319050.2, NM_001410704.1 and 7 more transcripts); short protein forms P24L.
Identifiers: ClinVar variation 4279845 (VCV004279845.1).